The following is an entry in ClinVar:

ClinVar aggregate classification (germline): Uncertain significance. Review status: criteria provided, single submitter (1 of 4 stars). 2 submissions from 2 submitters: Uncertain significance (1). 1 of the submissions does not count toward it. Last evaluated 2023-05-21.

Conditions:
Nemaline myopathy 2 (NEM2). Also called: Nemaline myopathy 2, autosomal recessive. Identifiers: MedGen C1850569, MONDO:0009725, OMIM 256030.
Arthrogryposis multiplex congenita 6. Identifiers: MedGen C5543431, MONDO:0030281, OMIM 619334.

Allele frequency attached by ClinVar (database versions not stated): ExAC 0.00004.

Submissions (2):

Kariminejad - Najmabadi Pathology & Genetics Center
Classification: Uncertain significance for Nemaline myopathy 2. Last evaluated: 2023-05-21. Review status: criteria provided, single submitter. Criteria: ACMG Guidelines, 2015. Collection method: clinical testing. Allele origin: germline. Inheritance: Autosomal recessive inheritance. Affected: yes.
Comment: PM2

Istanbul Faculty of Medicine, Istanbul University
Classification: Uncertain significance for Arthrogryposis multiplex congenita 6. Last evaluated: 2022-01-10. Review status: no assertion criteria provided. Collection method: clinical testing. Allele origin: germline. Affected: yes. Observed: 1 variant allele. Not counted in ClinVar's aggregate classification.

NM_001164508.2(NEB):c.14911G>A (p.Ala4971Thr)

Gene: NEB (nebulin; minus strand). Cytogenetic location: 2q23.3.
Variant type: single nucleotide variant.
Coding change: c.14911G>A on transcript NM_001164508.2 (MANE Select); coding-DNA position 14911, G replaced by A.
Protein change: p.Ala4971Thr; replaces alanine 4971 with threonine.
Molecular consequence: missense variant. On other transcripts: intron variant (1).
Genome position (GRCh38, 1-based): chr2:151,591,371, C>T on the plus strand (G>A on the coding strand, the complement: NEB is on the minus strand). VCF-style: chr2-151591371-C-T. GRCh37 (hg19) VCF-style: chr2-152447885-C-T.
Other names: c.14911G>A, p.Ala4971Thr (NM_001164507.2, NM_001271208.2); c.11602-15017G>A (NM_004543.5); short protein forms A4971T.
Identifiers: ClinVar variation 2576961 (VCV002576961.3), dbSNP rs761473319, ClinGen allele CA1908455.